The following is an entry in ClinVar:

ClinVar aggregate classification (germline): Benign/Likely benign. Review status: criteria provided, multiple submitters, no conflicts (2 of 4 stars). 3 submissions from 3 submitters: Benign (1); Likely benign (2). Last evaluated 2024-06-17.

Conditions:
Hereditary cancer-predisposing syndrome. Also called: Neoplastic Syndromes, Hereditary; Hereditary neoplastic syndrome; Tumor predisposition; Hereditary Cancer Syndrome. Identifiers: Orphanet 140162, MedGen C0027672, MeSH D009386, MONDO:0015356.
Familial cancer of breast. Also called: hereditary breast carcinoma; Hereditary breast cancer; BREAST CANCER, FAMILIAL. Identifiers: Orphanet 227535, MedGen C0346153, MONDO:0016419, OMIM 114480. Disease mechanism: loss of function.
Ataxia-telangiectasia syndrome (AT). Also called: Ataxia telangiectasia (A-T); Cerebello-oculocutaneous telangiectasia; Immunodeficiency with ataxia telangiectasia; LOUIS-BAR SYNDROME; AT, COMPLEMENTATION GROUP C; ATAXIA-TELANGIECTASIA, FRESNO VARIANT. Identifiers: Orphanet 100, MedGen C0004135, MONDO:0008840, OMIM 208900.

Submissions (3):

Myriad Genetics, Inc.
Classification: Benign for Familial cancer of breast. Last evaluated: 2024-06-17. Review status: criteria provided, single submitter. Criteria: Myriad Autosomal Dominant, Autosomal Recessive and X-Linked Classification Criteria (2023). Collection method: clinical testing. Allele origin: unknown.
Comment: This variant is considered benign. This variant is a silent/synonymous amino acid change and it is not expected to impact splicing.

Labcorp Genetics (formerly Invitae), Labcorp
Classification: Likely benign for Ataxia-telangiectasia syndrome. Last evaluated: 2024-05-08. Review status: criteria provided, single submitter. Criteria: Invitae Variant Classification Sherloc (09022015). Collection method: clinical testing. Allele origin: germline.

Ambry Genetics
Classification: Likely benign for Hereditary cancer-predisposing syndrome. Last evaluated: 2020-09-11. Review status: criteria provided, single submitter. Criteria: Ambry Variant Classification Scheme 2023. Collection method: clinical testing. Allele origin: germline.

NM_000051.4(ATM):c.7770A>G (p.Gln2590=)

Genes: ATM (ATM serine/threonine kinase; plus strand), C11orf65 (chromosome 11 open reading frame 65; minus strand). Cytogenetic location: 11q22.3.
Variant type: single nucleotide variant.
Coding change: c.7770A>G on transcript NM_000051.4 (MANE Select); coding-DNA position 7770, A replaced by G.
Protein change: p.Gln2590=; no amino-acid change (glutamine 2590 retained).
Molecular consequence: synonymous variant. On other transcripts: intron variant (2).
Genome position (GRCh38, 1-based): chr11:108,332,019, A>G. VCF-style: chr11-108332019-A-G. GRCh37 (hg19) VCF-style: chr11-108202746-A-G.
Other names: c.7770A>G, p.Gln2590= (NM_001351834.2); c.641-22948T>C (NM_001330368.2); c.*38+3201T>C (NM_001351110.2).
Identifiers: ClinVar variation 220244 (VCV000220244.10), dbSNP rs864622437, ClinGen allele CA348073.